The following is an entry in ClinVar:

ClinVar aggregate classification (germline): Benign. Review status: criteria provided, multiple submitters, no conflicts (2 of 4 stars). 2 submissions from 2 submitters: Benign (2). Last evaluated 2018-06-16.

Allele frequency attached by ClinVar (database versions not stated): gnomAD exomes 0.00269; gnomAD 0.02868 and 0.03092; 1000 Genomes Project 0.03055; 1000 Genomes Project 30x 0.03326; TOPMed 0.03350.
gnomAD v4.1: 8,227 of 1,533,636 alleles (0.54%); highest among the groups gnomAD compares: African/African-American, 10%; 404 homozygotes.

Submissions (2):

GeneDx
Classification: Benign. Last evaluated: 2018-06-16. Review status: criteria provided, single submitter. Criteria: GeneDx Variant Classification (06012015). Collection method: clinical testing. Allele origin: germline. Affected: yes.
Comment: This variant is considered likely benign or benign based on one or more of the following criteria: it is a conservative change, it occurs at a poorly conserved position in the protein, it is predicted to be benign by multiple in silico algorithms, and/or has population frequency not consistent with disease.

Breakthrough Genomics
Classification: Benign. Review status: criteria provided, single submitter. Criteria: ACMG Guidelines, 2015. Collection method: not provided. Allele origin: germline. Inheritance: Autosomal recessive inheritance. Affected: yes.

NM_001384732.1(CPLANE1):c.6462+60G>A

Gene: CPLANE1 (ciliogenesis and planar polarity effector complex subunit 1; minus strand). Cytogenetic location: 5p13.2.
Variant type: single nucleotide variant.
Coding change: c.6462+60G>A on transcript NM_001384732.1 (MANE Select); 60 bases into the intron after coding-DNA position 6462, G replaced by A.
Molecular consequence: intron variant.
Genome position (GRCh38, 1-based): chr5:37,169,981, C>T on the plus strand (G>A on the coding strand, the complement: CPLANE1 is on the minus strand). VCF-style: chr5-37169981-C-T. GRCh37 (hg19) VCF-style: chr5-37170083-C-T.
Other names: c.6462+60G>A (NM_023073.4).
Identifiers: ClinVar variation 676014 (VCV000676014.2), dbSNP rs142681258, ClinGen allele CA117055308.
Genomic context (GRCh38, chr5:37,169,981, plus strand): 5'-TTCACGATGTTGGCCAGGCTGGTCTCGAACTCCCAACCTCAGGTGTGGCCTGCCAAAGTG[C>T]TGGGATTACAGACATGAGCCACCGCGCCCAGCCATTAATGGTATTTTTACATACATTACC-3'